The following is an entry in ClinVar:

NM_001127178.3(PIGG):c.653T>C (p.Leu218Pro)

Gene: PIGG (phosphatidylinositol glycan anchor biosynthesis class G (EMM blood group); plus strand). Cytogenetic location: 4p16.3.
Variant type: single nucleotide variant.
Coding change: c.653T>C on transcript NM_001127178.3 (MANE Select); coding-DNA position 653, T replaced by C.
Protein change: p.Leu218Pro; replaces leucine 218 with proline.
Molecular consequence: missense variant. On other transcripts: 5 prime UTR variant (4), non-coding transcript variant (10), intron variant (1).
Genome position (GRCh38, 1-based): chr4:507,487, T>C. VCF-style: chr4-507487-T-C. GRCh37 (hg19) VCF-style: chr4-501276-T-C.
Other names: c.386T>C, p.Leu129Pro (NM_001289051.2, NM_001289053.2, NM_001289057.2 and 2 more transcripts); c.287T>C, p.Leu96Pro (NM_001289055.2); c.-235T>C (NM_001345988.2); c.653T>C, p.Leu218Pro (NM_001345989.2, NM_017733.5); c.-973T>C (NM_001345990.2); c.-835T>C (NM_001345991.2); c.-560T>C (NM_001345994.2); c.361-1342T>C (NM_001289052.2); short protein forms L96P, L218P, L129P.
Identifiers: ClinVar variation 2116288 (VCV002116288.5), dbSNP rs1553880199, ClinGen allele CA355897192.

ClinVar aggregate classification (germline): Uncertain significance. Review status: criteria provided, multiple submitters, no conflicts (2 of 4 stars). 2 submissions from 2 submitters: Uncertain significance (2). Last evaluated 2022-08-12.

Conditions:
Intellectual disability, autosomal recessive 53 (NEDHSCA). Also called: NEURODEVELOPMENTAL DISORDER WITH OR WITHOUT HYPOTONIA, SEIZURES, AND CEREBELLAR ATROPHY; GLYCOSYLPHOSPHATIDYLINOSITOL BIOSYNTHESIS DEFECT 13; Mental retardation, autosomal recessive 53. Identifiers: Orphanet 488635, MedGen C4310794, MONDO:0014832, OMIM 616917.

Allele frequency attached by ClinVar (database versions not stated): gnomAD 0.00001; TOPMed 0.00001; gnomAD exomes 0.00002.
gnomAD v4.1: 27 of 1,613,974 alleles (0.0017%); highest among the groups gnomAD compares: East Asian, 0.0022%; no homozygotes.

Submissions (2):

Blueprint Genetics
Classification: Uncertain significance. Last evaluated: 2022-08-12. Review status: criteria provided, single submitter. Criteria: ACMG Guidelines, 2015. Collection method: clinical testing. Allele origin: germline.

Labcorp Genetics (formerly Invitae), Labcorp
Classification: Uncertain significance for Intellectual disability, autosomal recessive 53. Last evaluated: 2022-03-23. Review status: criteria provided, single submitter. Criteria: Invitae Variant Classification Sherloc (09022015). Collection method: clinical testing. Allele origin: germline.
Comment: This sequence change replaces leucine, which is neutral and non-polar, with proline, which is neutral and non-polar, at codon 218 of the PIGG protein (p.Leu218Pro). In summary, the available evidence is currently insufficient to determine the role of this variant in disease. Therefore, it has been classified as a Variant of Uncertain Significance. Algorithms developed to predict the effect of missense changes on protein structure and function (SIFT, PolyPhen-2, Align-GVGD) all suggest that this variant is likely to be disruptive. This variant has not been reported in the literature in individuals affected with PIGG-related conditions. This variant is present in population databases (no rsID available, gnomAD 0.002%).